The following is an entry in ClinVar:

NM_003801.4(GPAA1):c.-8G>T

Genes: GPAA1 (glycosylphosphatidylinositol anchor attachment 1; plus strand), LOC130001364 (ATAC-STARR-seq lymphoblastoid silent region 19654; plus strand). Cytogenetic location: 8q24.3.
Variant type: single nucleotide variant.
Coding change: c.-8G>T on transcript NM_003801.4 (MANE Select); 8 bases upstream of the start codon, G replaced by T.
Molecular consequence: 5 prime UTR variant.
Genome position (GRCh38, 1-based): chr8:144,082,723, G>T. VCF-style: chr8-144082723-G-T. GRCh37 (hg19) VCF-style: chr8-145137626-G-T.
Identifiers: ClinVar variation 4978431 (VCV004978431.1).

ClinVar aggregate classification (germline): Likely benign (1 of 4 stars; one submission).

Conditions:
GPAA1-related disorder. Also called: GPAA1-related condition.

Submission:

PreventionGenetics, part of Exact Sciences
Classification: Likely benign for GPAA1-related condition. Last evaluated: 2026-06-14. Review status: criteria provided, single submitter. Criteria: ACMG Guidelines, 2015. Collection method: clinical testing. Allele origin: germline.
Comment: This variant is classified as likely benign based on ACMG/AMP sequence variant interpretation guidelines (Richards et al. 2015 PMID: 25741868, with internal and published modifications).